The following is an entry in ClinVar:

NM_014055.4(IFT81):c.1004_1006delinsGAT (p.Glu335_Pro336delinsGlySer)

Gene: IFT81 (intraflagellar transport 81; plus strand). Cytogenetic location: 12q24.11.
Variant type: Indel.
Coding change: c.1004_1006delinsGAT on transcript NM_014055.4 (MANE Select); coding-DNA positions 1004 to 1006, AGC replaced by GAT.
Protein change: p.Glu335_Pro336delinsGlySer.
Molecular consequence: missense variant. On other transcripts: non-coding transcript variant (4).
Genome position (GRCh38, 1-based): chr12:110,147,011-110,147,013, AGC replaced by GAT. VCF-style: chr12-110147011-AGC-GAT. GRCh37 (hg19) VCF-style: chr12-110584816-AGC-GAT.
Other names: c.1004_1006delinsGAT, p.Glu335_Pro336delinsGlySer (NM_001143779.2, NM_001347946.2, NM_031473.4); c.74_76delinsGAT, p.Glu25_Pro26delinsGlySer (NM_001347947.2, NM_001347948.2).
Identifiers: ClinVar variation 1004472 (VCV001004472.8), dbSNP rs1895264790, ClinGen allele CA2062730027.

ClinVar aggregate classification (germline): Uncertain significance (1 of 4 stars; one submission).

Submission:

Labcorp Genetics (formerly Invitae), Labcorp
Classification: Uncertain significance. Last evaluated: 2025-01-06. Review status: criteria provided, single submitter. Criteria: Invitae Variant Classification Sherloc (09022015). Collection method: clinical testing. Allele origin: germline.
Comment: This variant, c.1004_1006delinsGAT, is a complex sequence change that results in the deletion of 2 and insertion of 2 amino acid(s) in the IFT81 protein (p.Glu335_Pro336delinsGlySer). Information on the frequency of this variant in the gnomAD database is not available, as this variant may be reported differently in the database. This variant has not been reported in the literature in individuals affected with IFT81-related conditions. ClinVar contains an entry for this variant (Variation ID: 1004472). Experimental studies and prediction algorithms are not available or were not evaluated, and the functional significance of this variant is currently unknown. In summary, the available evidence is currently insufficient to determine the role of this variant in disease. Therefore, it has been classified as a Variant of Uncertain Significance.